The following is an entry in ClinVar:

ClinVar aggregate classification (germline): Uncertain significance (1 of 4 stars; one submission).

Conditions:
Glycogen storage disease XV (GSD15). Also called: GLYCOGENIN DEFICIENCY; GSD XV. Identifiers: Orphanet 263297, MedGen C3150754, MONDO:0013291, OMIM 613507.
Polyglucosan body myopathy type 2. Identifiers: Orphanet 456369, MedGen C4015452, MONDO:0014526, OMIM 616199.

Allele frequency attached by ClinVar (database versions not stated): ExAC 0.00001.
gnomAD v4.1: 11 of 1,613,896 alleles (0.00068%); highest among the groups gnomAD compares: East Asian, 0.0022%; no homozygotes.

Submission:

Labcorp Genetics (formerly Invitae), Labcorp
Classification: Uncertain significance for Polyglucosan body myopathy type 2; Glycogen storage disease XV. Last evaluated: 2022-07-03. Review status: criteria provided, single submitter. Criteria: Invitae Variant Classification Sherloc (09022015). Collection method: clinical testing. Allele origin: germline.
Comment: In summary, the available evidence is currently insufficient to determine the role of this variant in disease. Therefore, it has been classified as a Variant of Uncertain Significance. Algorithms developed to predict the effect of missense changes on protein structure and function are either unavailable or do not agree on the potential impact of this missense change (SIFT: "Deleterious"; PolyPhen-2: "Probably Damaging"; Align-GVGD: "Class C0"). This variant has not been reported in the literature in individuals affected with GYG1-related conditions. This variant is present in population databases (no rsID available, gnomAD 0.01%). This sequence change replaces serine, which is neutral and polar, with leucine, which is neutral and non-polar, at codon 318 of the GYG1 protein (p.Ser318Leu).

NM_004130.4(GYG1):c.953C>T (p.Ser318Leu)

Gene: GYG1 (glycogenin 1; plus strand). Cytogenetic location: 3q24.
Variant type: single nucleotide variant.
Coding change: c.953C>T on transcript NM_004130.4 (MANE Select); coding-DNA position 953, C replaced by T.
Protein change: p.Ser318Leu; replaces serine 318 with leucine.
Molecular consequence: missense variant.
Genome position (GRCh38, 1-based): chr3:149,026,833, C>T. VCF-style: chr3-149026833-C-T. GRCh37 (hg19) VCF-style: chr3-148744620-C-T.
Other names: c.902C>T, p.Ser301Leu (NM_001184720.2); c.682C>T, p.Arg228Trp (NM_001184721.2); short protein forms R228W, S301L, S318L.
Identifiers: ClinVar variation 2113826 (VCV002113826.4), dbSNP rs1271327847, ClinGen allele CA2658719.